The following is an entry in ClinVar:

ClinVar aggregate classification (germline): Uncertain significance (1 of 4 stars; one submission).

Conditions:
Cardiovascular phenotype. Identifiers: MedGen CN230736.

Submission:

Ambry Genetics
Classification: Uncertain significance for Cardiovascular phenotype. Last evaluated: 2018-08-29. Review status: criteria provided, single submitter. Criteria: Ambry Variant Classification Scheme 2023. Collection method: clinical testing. Allele origin: germline.
Comment: The p.W15079R variant (also known as c.45235T>C), located in coding exon 153 of the TTN gene, results from a T to C substitution at nucleotide position 45235. The tryptophan at codon 15079 is replaced by arginine, an amino acid with dissimilar properties. This amino acid position is highly conserved in available vertebrate species. In addition, this alteration is predicted to be deleterious by in silico analysis. Since supporting evidence is limited at this time, the clinical significance of this alteration remains unclear.

NM_001267550.2(TTN):c.72430T>C (p.Trp24144Arg)

Genes: TTN (titin; minus strand), TTN-AS1 (TTN antisense RNA 1; plus strand). Cytogenetic location: 2q31.2.
Variant type: single nucleotide variant.
Coding change: c.72430T>C on transcript NM_001267550.2 (MANE Select); coding-DNA position 72430, T replaced by C.
Protein change: p.Trp24144Arg; replaces tryptophan 24144 with arginine.
Molecular consequence: missense variant.
Genome position (GRCh38, 1-based): chr2:178,573,702, A>G on the plus strand (T>C on the coding strand, the complement: TTN is on the minus strand). VCF-style: chr2-178573702-A-G. GRCh37 (hg19) VCF-style: chr2-179438429-A-G.
Other names: c.67507T>C, p.Trp22503Arg (NM_001256850.1); c.45235T>C, p.Trp15079Arg (NM_003319.4); c.64726T>C, p.Trp21576Arg (NM_133378.4); c.45610T>C, p.Trp15204Arg (NM_133432.3); c.45811T>C, p.Trp15271Arg (NM_133437.4); short protein forms W21576R, W15079R, W22503R, W15271R, W15204R, W24144R.
Identifiers: ClinVar variation 1741226 (VCV001741226.2), dbSNP rs554779387, ClinGen allele CA349647219.